The following is an entry in ClinVar:

ClinVar aggregate classification (germline): Uncertain significance (1 of 4 stars; one submission).

Allele frequency attached by ClinVar (database versions not stated): gnomAD exomes 0.00001; TOPMed 0.00001; ExAC 0.00002.
gnomAD v4.1: 10 of 1,613,904 alleles (0.00062%); highest among the groups gnomAD compares: Admixed American, 0.0017%; no homozygotes.

Submission:

Labcorp Genetics (formerly Invitae), Labcorp
Classification: Uncertain significance. Last evaluated: 2022-07-01. Review status: criteria provided, single submitter. Criteria: Invitae Variant Classification Sherloc (09022015). Collection method: clinical testing. Allele origin: germline.
Comment: This variant has not been reported in the literature in individuals affected with NPAT-related conditions. In summary, the available evidence is currently insufficient to determine the role of this variant in disease. Therefore, it has been classified as a Variant of Uncertain Significance. Algorithms developed to predict the effect of missense changes on protein structure and function are either unavailable or do not agree on the potential impact of this missense change (SIFT: "Deleterious"; PolyPhen-2: "Probably Damaging"; Align-GVGD: "Class C0"). This variant is present in population databases (rs779898890, gnomAD 0.002%). This sequence change replaces proline, which is neutral and non-polar, with serine, which is neutral and polar, at codon 910 of the NPAT protein (p.Pro910Ser).

NM_002519.3(NPAT):c.2728C>T (p.Pro910Ser)

Gene: NPAT (nuclear protein, coactivator of histone transcription; minus strand). Cytogenetic location: 11q22.3.
Variant type: single nucleotide variant.
Coding change: c.2728C>T on transcript NM_002519.3 (MANE Select); coding-DNA position 2728, C replaced by T.
Protein change: p.Pro910Ser; replaces proline 910 with serine.
Molecular consequence: missense variant.
Genome position (GRCh38, 1-based): chr11:108,172,256, G>A on the plus strand (C>T on the coding strand, the complement: NPAT is on the minus strand). VCF-style: chr11-108172256-G-A. GRCh37 (hg19) VCF-style: chr11-108042983-G-A.
Other names: c.2728C>T, p.Pro910Ser (NM_001321307.1); short protein forms P910S.
Identifiers: ClinVar variation 2171332 (VCV002171332.4), dbSNP rs779898890, ClinGen allele CA6263773.
Genomic context (GRCh38, chr11:108,172,256, plus strand): 5'-TACCTTGTGAAAAGTTTGGTGACACAGCTTGGTTGACAGCAAATACACTGTTTGACCTTG[G>A]TGGTGTCTGTAACTGAGGTGGTAGAGGTTGAGCAGTCATAGGTGCAGAATTTCCAGGCAA-3'
Protein context (NP_002510.2, residues 900-920): QPLPPQLQTP[Pro910Ser]RSNSVFAVNQ